The following is an entry in ClinVar:

NM_012338.4(TSPAN12):c.285+3del

Gene: TSPAN12 (tetraspanin 12; minus strand). Cytogenetic location: 7q31.31.
Variant type: Deletion.
Coding change: c.285+3del on transcript NM_012338.4 (MANE Select); 3 bases into the intron after coding-DNA position 285, one base deleted (A; older notation c.285+3delA).
Molecular consequence: intron variant.
Genome position (GRCh38, 1-based): chr7:120,838,774, T deleted on the plus strand (A on the coding strand, the reverse complement: TSPAN12 is on the minus strand). VCF-style (leftmost placement, unchanged base first): chr7-120838773-AT-A. GRCh37 (hg19) VCF-style: chr7-120478827-AT-A.
Identifiers: ClinVar variation 1383880 (VCV001383880.6), dbSNP rs2116466178, ClinGen allele CA2573141697.

ClinVar aggregate classification (germline): Uncertain significance (1 of 4 stars; one submission).

Submission:

Labcorp Genetics (formerly Invitae), Labcorp
Classification: Uncertain significance. Last evaluated: 2021-09-29. Review status: criteria provided, single submitter. Criteria: Invitae Variant Classification Sherloc (09022015). Collection method: clinical testing. Allele origin: germline.
Comment: In summary, the available evidence is currently insufficient to determine the role of this variant in disease. Therefore, it has been classified as a Variant of Uncertain Significance. Variants that disrupt the consensus splice site are a relatively common cause of aberrant splicing (PMID: 17576681, 9536098). Algorithms developed to predict the effect of sequence changes on RNA splicing suggest that this variant may disrupt the consensus splice site. This variant has not been reported in the literature in individuals affected with TSPAN12-related conditions. This variant is not present in population databases (ExAC no frequency). This sequence change falls in intron 4 of the TSPAN12 gene. It does not directly change the encoded amino acid sequence of the TSPAN12 protein. It affects a nucleotide within the consensus splice site of the intron.

Literature cited by the submitters: PubMed 17576681; PubMed 9536098.